The following is an entry in ClinVar:

NM_152296.5(ATP1A3):c.1807-2A>T

Gene: ATP1A3 (ATPase Na+/K+ transporting subunit alpha 3; minus strand). Cytogenetic location: 19q13.2.
Variant type: single nucleotide variant.
Coding change: c.1807-2A>T on transcript NM_152296.5 (MANE Select); the canonical splice acceptor site of the intron before coding-DNA position 1807, A replaced by T.
Molecular consequence: splice acceptor variant.
Genome position (GRCh38, 1-based): chr19:41,978,074, T>A on the plus strand (A>T on the coding strand, the complement: ATP1A3 is on the minus strand). VCF-style: chr19-41978074-T-A. GRCh37 (hg19) VCF-style: chr19-42482226-T-A.
Other names: c.1846-2A>T (NM_001256214.2); c.1840-2A>T (NM_001256213.2).
Identifiers: ClinVar variation 1709226 (VCV001709226.2), dbSNP rs2514054212, ClinGen allele CA406045337.

ClinVar aggregate classification (germline): Pathogenic (1 of 4 stars; one submission).

Conditions:
Developmental and epileptic encephalopathy 99. Identifiers: MedGen C5562018, MONDO:0030473, OMIM 619606.

Submission:

MGZ Medical Genetics Center
Classification: Pathogenic for Developmental and epileptic encephalopathy 99. Last evaluated: 2022-04-08. Review status: criteria provided, single submitter. Criteria: ACMG Guidelines, 2015. Collection method: clinical testing. Allele origin: germline. Affected: yes. Observed: 1 variant allele.
Comment: ACMG criteria applied: PVS1, PS2, PM2_SUP